The following is an entry in ClinVar:

ClinVar aggregate classification (germline): Uncertain significance (1 of 4 stars; one submission).

Submission:

CeGaT Center for Human Genetics Tuebingen
Classification: Uncertain significance. Last evaluated: 2025-02-01. Review status: criteria provided, single submitter. Criteria: CeGaT Center For Human Genetics Tuebingen Variant Classification Criteria Version 2. Collection method: clinical testing. Allele origin: germline. Affected: yes. Observed: 1 variant allele.
Comment: KMT2E: PM2, PP3

NM_182931.3(KMT2E):c.2372T>C (p.Ile791Thr)

Gene: KMT2E (lysine methyltransferase 2E (inactive); plus strand). Cytogenetic location: 7q22.3.
Variant type: single nucleotide variant.
Coding change: c.2372T>C on transcript NM_182931.3 (MANE Select); coding-DNA position 2372, T replaced by C.
Protein change: p.Ile791Thr; replaces isoleucine 791 with threonine.
Molecular consequence: missense variant.
Genome position (GRCh38, 1-based): chr7:105,105,614, T>C. VCF-style: chr7-105105614-T-C. GRCh37 (hg19) VCF-style: chr7-104746061-T-C.
Other names: c.2372T>C, p.Ile791Thr (NM_001410908.1, NM_018682.4); short protein forms I791T.
Identifiers: ClinVar variation 3771967 (VCV003771967.13).